The following is an entry in ClinVar:

NM_052963.3(TOP1MT):c.806C>T (p.Ser269Leu)

Gene: TOP1MT (DNA topoisomerase I mitochondrial; minus strand). Cytogenetic location: 8q24.3.
Variant type: single nucleotide variant.
Coding change: c.806C>T on transcript NM_052963.3 (MANE Select); coding-DNA position 806, C replaced by T.
Protein change: p.Ser269Leu; replaces serine 269 with leucine.
Molecular consequence: missense variant.
Genome position (GRCh38, 1-based): chr8:143,324,495, G>A on the plus strand (C>T on the coding strand, the complement: TOP1MT is on the minus strand). VCF-style: chr8-143324495-G-A. GRCh37 (hg19) VCF-style: chr8-144406665-G-A.
Other names: c.512C>T, p.Ser171Leu (NM_001258446.1, NM_001258447.1); short protein forms S171L, S269L.
Identifiers: ClinVar variation 2959760 (VCV002959760.3), dbSNP rs138642876, ClinGen allele CA4908676.

ClinVar aggregate classification (germline): Uncertain significance (1 of 4 stars; one submission).

Allele frequency attached by ClinVar (database versions not stated): ExAC 0.00004; TOPMed 0.00005; gnomAD 0.00007; ESP Exome Variant Server 0.00008.
gnomAD v4.1: 136 of 1,613,816 alleles (0.0084%); highest among the groups gnomAD compares: Admixed American, 0.015%; no homozygotes.

Submission:

Labcorp Genetics (formerly Invitae), Labcorp
Classification: Uncertain significance. Last evaluated: 2023-08-28. Review status: criteria provided, single submitter. Criteria: Invitae Variant Classification Sherloc (09022015). Collection method: clinical testing. Allele origin: germline.
Comment: Advanced modeling of protein sequence and biophysical properties (such as structural, functional, and spatial information, amino acid conservation, physicochemical variation, residue mobility, and thermodynamic stability) performed at Invitae indicates that this missense variant is expected to disrupt TOP1MT protein function. This variant has not been reported in the literature in individuals affected with TOP1MT-related conditions. This variant is present in population databases (rs138642876, gnomAD 0.02%). This sequence change replaces serine, which is neutral and polar, with leucine, which is neutral and non-polar, at codon 269 of the TOP1MT protein (p.Ser269Leu). In summary, the available evidence is currently insufficient to determine the role of this variant in disease. Therefore, it has been classified as a Variant of Uncertain Significance.